The following is an entry in ClinVar:

NM_005076.5(CNTN2):c.2577A>G (p.Ala859=)

Gene: CNTN2 (contactin 2; plus strand). Cytogenetic location: 1q32.1.
Variant type: single nucleotide variant.
Coding change: c.2577A>G on transcript NM_005076.5 (MANE Select); coding-DNA position 2577, A replaced by G.
Protein change: p.Ala859=; no amino-acid change (alanine 859 retained).
Molecular consequence: synonymous variant. On other transcripts: non-coding transcript variant (1).
Genome position (GRCh38, 1-based): chr1:205,071,979, A>G. VCF-style: chr1-205071979-A-G. GRCh37 (hg19) VCF-style: chr1-205041107-A-G.
Other names: c.2577A>G, p.Ala859= (NM_001346083.2).
Identifiers: ClinVar variation 2197787 (VCV002197787.26), dbSNP rs764452806, ClinGen allele CA1351740.
Genomic context (GRCh38, chr1:205,071,979, plus strand): 5'-ACCCCTTGGGTACCCCCGCCTCCTTCAGATCCGCTACTGGAAAGCTGGGGACAAAGAAGC[A>G]GCTGCGGACCGAGTGAGGACAGCAGGGCTGGACACCAGTGCCCGAGTCAGCGGCCTGCAT-3'
Protein context (NP_005067.1, residues 849-869): IRYWKAGDKE[Ala859=]AADRVRTAGL

ClinVar aggregate classification (germline): Likely benign. Review status: criteria provided, multiple submitters, no conflicts (2 of 4 stars). 2 submissions from 2 submitters: Likely benign (2). Last evaluated 2025-08-30.

Conditions:
Epilepsy, familial adult myoclonic, 5 (EPEO5). Also called: CORTICAL MYOCLONIC TREMOR WITH EPILEPSY, FAMILIAL, 5. Identifiers: Orphanet 86814, MedGen C3809374, MONDO:0014167, OMIM 615400.

Allele frequency attached by ClinVar (database versions not stated): ExAC 0.00003; gnomAD 0.00003; gnomAD exomes 0.00003; TOPMed 0.00004.
gnomAD v4.1: 44 of 1,613,166 alleles (0.0027%); highest among the groups gnomAD compares: Non-Finnish European, 0.00034%; no homozygotes.

Submissions (2):

Labcorp Genetics (formerly Invitae), Labcorp
Classification: Likely benign for Epilepsy, familial adult myoclonic, 5. Last evaluated: 2025-08-30. Review status: criteria provided, single submitter. Criteria: Invitae Variant Classification Sherloc (09022015). Collection method: clinical testing. Allele origin: germline.

CeGaT Center for Human Genetics Tuebingen
Classification: Likely benign. Last evaluated: 2024-01-01. Review status: criteria provided, single submitter. Criteria: CeGaT Center For Human Genetics Tuebingen Variant Classification Criteria Version 2. Collection method: clinical testing. Allele origin: germline. Affected: yes. Observed: 1 variant allele.
Comment: CNTN2: BP4, BP7